The following is an entry in ClinVar:

NM_003098.3(SNTA1):c.769G>T (p.Ala257Ser)

Gene: SNTA1 (syntrophin alpha 1; minus strand). Cytogenetic location: 20q11.21.
Variant type: single nucleotide variant.
Coding change: c.769G>T on transcript NM_003098.3 (MANE Select); coding-DNA position 769, G replaced by T.
Protein change: p.Ala257Ser; replaces alanine 257 with serine.
Molecular consequence: missense variant.
Genome position (GRCh38, 1-based): chr20:33,412,715, C>A on the plus strand (G>T on the coding strand, the complement: SNTA1 is on the minus strand). VCF-style: chr20-33412715-C-A. GRCh37 (hg19) VCF-style: chr20-32000521-C-A.
Other names: c.769G>T, p.Ala257Ser (NM_001424413.1, NM_001424414.1); short protein forms A257S.
Identifiers: ClinVar variation 3446796 (VCV003446796.1).

ClinVar aggregate classification (germline): Uncertain significance (1 of 4 stars; one submission).

Conditions:
Cardiovascular phenotype. Identifiers: MedGen CN230736.

gnomAD v4.1: 1 of 1,613,690 alleles (0.000062%); highest among the groups gnomAD compares: East Asian, 0.0022%; no homozygotes.

Submission:

Ambry Genetics
Classification: Uncertain significance for Cardiovascular phenotype. Last evaluated: 2024-10-21. Review status: criteria provided, single submitter. Criteria: Ambry Variant Classification Scheme 2023. Collection method: clinical testing. Allele origin: germline.
Comment: The p.A257S variant (also known as c.769G>T), located in coding exon 4 of the SNTA1 gene, results from a G to T substitution at nucleotide position 769. The alanine at codon 257 is replaced by serine, an amino acid with similar properties. This amino acid position is conserved. In addition, this alteration is predicted to be tolerated by in silico analysis. Based on the available evidence, the clinical significance of this variant remains unclear.